The following is an entry in ClinVar:

ClinVar aggregate classification (germline): Benign/Likely benign. Review status: criteria provided, multiple submitters, no conflicts (2 of 4 stars). 14 submissions from 14 submitters: Benign (2); Likely benign (10). 2 of the submissions do not count toward it. Last evaluated 2026-01-05.

Conditions:
ACTC1-related disorder. Also called: ACTC1-related condition.
Cardiovascular phenotype. Identifiers: MedGen CN230736.
Hypertrophic cardiomyopathy 11. Also called: ACTC1-Related Familial Hypertrophic Cardiomyopathy. Identifiers: MedGen C2677506, MONDO:0012799, OMIM 612098.
Dilated cardiomyopathy 1R (CMD1R). Identifiers: Orphanet 154, Orphanet 54260, MedGen C3150681, MONDO:0013261, OMIM 613424.
Atrial septal defect 5 (ASD5). Identifiers: Orphanet 1478, MedGen C2748552, MONDO:0013011, OMIM 612794.
Cardiomyopathy (CMYO). Also called: Cardiomyopathies. Identifiers: Orphanet 167848, MedGen C0878544, MONDO:0004994, HP:0001638. Inheritance: Various modes of inheritance.
Hypertrophic cardiomyopathy. Also called: HYPERTROPHIC MYOCARDIOPATHY. Identifiers: Orphanet 217569, MedGen C0007194, MeSH D002312, MONDO:0005045, HP:0001639.

Allele frequency attached by ClinVar (database versions not stated): ESP Exome Variant Server 0.00008; gnomAD exomes 0.00009; ExAC 0.00011; 1000 Genomes Project 30x 0.00016; 1000 Genomes Project 0.00020; gnomAD 0.00037 and 0.00040; TOPMed 0.00043.
gnomAD v4.1: 102 of 1,614,098 alleles (0.0063%); highest among the groups gnomAD compares: African/African-American, 0.097%; no homozygotes.

Submissions (14):

Labcorp Genetics (formerly Invitae), Labcorp
Classification: Likely benign for Dilated cardiomyopathy 1R; Hypertrophic cardiomyopathy 11; Atrial septal defect 5. Last evaluated: 2026-01-05. Review status: criteria provided, single submitter. Criteria: Invitae Variant Classification Sherloc (09022015). Collection method: clinical testing. Allele origin: germline.

Molecular Diagnostic Laboratory for Inherited Cardiovascular Disease, Montreal Heart Institute
Classification: Likely benign. Last evaluated: 2025-07-24. Review status: criteria provided, single submitter. Criteria: ACMG Guidelines, 2015. Collection method: clinical testing. Allele origin: germline. Affected: no.
Comment: BP7

PreventionGenetics, part of Exact Sciences
Classification: Likely benign for ACTC1-related condition. Last evaluated: 2025-07-10. Review status: criteria provided, single submitter. Criteria: ACMG Guidelines, 2015. Collection method: clinical testing. Allele origin: germline.
Comment: This variant is classified as likely benign based on ACMG/AMP sequence variant interpretation guidelines (Richards et al. 2015 PMID: 25741868, with internal and published modifications).

Blueprint Genetics
Classification: Likely benign. Last evaluated: 2024-05-13. Review status: criteria provided, single submitter. Criteria: ACMG Guidelines, 2015. Collection method: clinical testing. Allele origin: germline.

All of Us Research Program, National Institutes of Health
Classification: Likely benign for Hypertrophic cardiomyopathy. Last evaluated: 2024-01-11. Review status: criteria provided, single submitter. Criteria: ACMG Guidelines, 2015. Collection method: clinical testing. Allele origin: germline. Inheritance: Autosomal dominant inheritance. Observed: 25 variant alleles, 25 heterozygotes.
Comment: This study involves interpretation of variants in research participants for the purpose of population health screening. Participant phenotype was not available at the time of variant classification. Additional details can be found in publication PMID: 35346344, PMCID: PMC8962531

Color Diagnostics, LLC DBA Color Health
Classification: Likely benign for Cardiomyopathy. Last evaluated: 2018-12-16. Review status: criteria provided, single submitter. Criteria: ACMG Guidelines, 2015. Collection method: clinical testing. Allele origin: germline.

Ambry Genetics
Classification: Likely benign for Cardiovascular phenotype. Last evaluated: 2018-06-01. Review status: criteria provided, single submitter. Criteria: Ambry Variant Classification Scheme 2023. Collection method: clinical testing. Allele origin: germline.

Women's Health and Genetics/Laboratory Corporation of America, LabCorp
Classification: Benign. Last evaluated: 2018-01-25. Review status: criteria provided, single submitter. Criteria: LabCorp Variant Classification Summary - May 2015. Collection method: clinical testing. Allele origin: germline.
Comment: Variant summary: The ACTC1 c.219C>T (p.Ile73Ile) variant involves the alteration of a non-conserved nucleotide, resulting in a synonymous change. Though one in silico tool predicts a damaging outcome for this variant, 5/5 splice prediction tools predict no significant impact on normal splicing, as well as ESE finder predicts that this variant doesnt affect ESE sites. However, these predictions have yet to be confirmed by functional studies. This variant was found in 33/277206 control chromosomes, predominantly observed in the African subpopulation at a frequency of 0.000999 (24/24022). This frequency is about 40 times the estimated maximal expected allele frequency of a pathogenic ACTC1 variant (0.000025), suggesting this is likely a benign polymorphism found primarily in the populations of African origin. In addition, one clinical diagnostic laboratory classified this variant as likely benign. The variant of interest has not, to our knowledge, been reported in affected individuals via publications nor evaluated for functional impact by in vivo/vitro studies. Taken together, this variant is classified as benign.

CHEO Genetics Diagnostic Laboratory, Children's Hospital of Eastern Ontario
Classification: Likely benign for Cardiomyopathy. Last evaluated: 2017-02-10. Review status: criteria provided, single submitter. Criteria: ACMG Guidelines, 2015. Collection method: clinical testing. Allele origin: germline. Study: Canadian Open Genetics Repository.

GeneDx
Classification: Benign. Last evaluated: 2015-03-03. Review status: criteria provided, single submitter. Criteria: GeneDx Variant Classification Process June 2021. Collection method: clinical testing. Allele origin: germline. Affected: yes.

Laboratory for Molecular Medicine, Mass General Brigham Personalized Medicine
Classification: Likely benign. Last evaluated: 2009-06-03. Review status: criteria provided, single submitter. Criteria: LMM Criteria. Collection method: clinical testing. Allele origin: germline. Observed: 1 variant allele.

Breakthrough Genomics
Classification: Likely benign. Review status: criteria provided, single submitter. Criteria: ACMG Guidelines, 2015. Collection method: not provided. Allele origin: germline. Inheritance: Autosomal dominant inheritance. Affected: yes.

Clinical Genetics DNA and cytogenetics Diagnostics Lab, Erasmus MC, Erasmus Medical Center
Classification: Likely benign. Review status: no assertion criteria provided. Collection method: clinical testing. Allele origin: germline. Affected: yes. Study: VKGL Data-share Consensus. Not counted in ClinVar's aggregate classification.

Clinical Genetics, Academic Medical Center
Classification: Benign. Review status: no assertion criteria provided. Collection method: clinical testing. Allele origin: germline. Affected: yes. Study: VKGL Data-share Consensus. Not counted in ClinVar's aggregate classification.

NM_005159.5(ACTC1):c.219C>T (p.Ile73=)

Genes: ACTC1 (actin alpha cardiac muscle 1; minus strand), GJD2-DT (GJD2 divergent transcript; plus strand). Cytogenetic location: 15q14.
Variant type: single nucleotide variant.
Coding change: c.219C>T on transcript NM_005159.5 (MANE Select); coding-DNA position 219, C replaced by T.
Protein change: p.Ile73=; no amino-acid change (isoleucine 73 retained).
Molecular consequence: synonymous variant.
Genome position (GRCh38, 1-based): chr15:34,793,480, G>A on the plus strand (C>T on the coding strand, the complement: ACTC1 is on the minus strand). VCF-style: chr15-34793480-G-A. GRCh37 (hg19) VCF-style: chr15-35085681-G-A.
Identifiers: ClinVar variation 45172 (VCV000045172.30), dbSNP rs376566924, ClinGen allele CA019689.
Genomic context (GRCh38, chr15:34,793,480, plus strand): 5'-GTAGAAGGTGTGGTGCCAGATCTTCTCCATGTCGTCCCAGTTGGTGATGATACCATGCTC[G>A]ATGGGATACTTCAGGGTCAGGATGCCTCTCTTGCTCTGGGCTTCATCACCTACGTAGGAG-3'
Protein context (NP_005150.1, residues 63-83): KRGILTLKYP[Ile73=]EHGIITNWDD